The following is an entry in ClinVar:

NM_001903.5(CTNNA1):c.673T>A (p.Ser225Thr)

Gene: CTNNA1 (catenin alpha 1; plus strand). Cytogenetic location: 5q31.2.
Variant type: single nucleotide variant.
Coding change: c.673T>A on transcript NM_001903.5 (MANE Select); coding-DNA position 673, T replaced by A.
Protein change: p.Ser225Thr; replaces serine 225 with threonine.
Molecular consequence: missense variant.
Genome position (GRCh38, 1-based): chr5:138,824,614, T>A. VCF-style: chr5-138824614-T-A. GRCh37 (hg19) VCF-style: chr5-138160303-T-A.
Other names: c.304T>A, p.Ser102Thr (NM_001290310.3); c.673T>A, p.Ser225Thr (NM_001323982.2, NM_001323983.1, NM_001323984.2 and 3 more transcripts); c.364T>A, p.Ser122Thr (NM_001290309.3); short protein forms S102T, S122T, S225T.
Identifiers: ClinVar variation 3498238 (VCV003498238.1).
Genomic context (GRCh38, chr5:138,824,614, plus strand): 5'-GATCAGATGGCTGCAGCTAGAGGAATCCTGCAGAAGAACGTTCCGATCCTCTATACTGCA[T>A]CCCAGGCATGCCTACAGCACCCTGATGTCGCAGCCTATAAGGCCAACAGGGACCTGATAT-3'
Protein context (NP_001894.2, residues 215-235): QKNVPILYTA[Ser225Thr]QACLQHPDVA

ClinVar aggregate classification (germline): Uncertain significance (1 of 4 stars; one submission).

Conditions:
Hereditary cancer-predisposing syndrome. Also called: Tumor predisposition; Neoplastic Syndromes, Hereditary; Hereditary Cancer Syndrome; Hereditary neoplastic syndrome. Identifiers: Orphanet 140162, MedGen C0027672, MeSH D009386, MONDO:0015356.

Submission:

Ambry Genetics
Classification: Uncertain significance for Hereditary cancer-predisposing syndrome. Last evaluated: 2024-09-02. Review status: criteria provided, single submitter. Criteria: Ambry Variant Classification Scheme 2023. Collection method: clinical testing. Allele origin: germline.
Comment: The p.S225T variant (also known as c.673T>A), located in coding exon 5 of the CTNNA1 gene, results from a T to A substitution at nucleotide position 673. The serine at codon 225 is replaced by threonine, an amino acid with similar properties. This amino acid position is conserved. In addition, this alteration is predicted to be tolerated by in silico analysis. Based on the available evidence, the clinical significance of this variant remains unclear.